The following is an entry in ClinVar:

NM_007294.4(BRCA1):c.3992A>G (p.Gln1331Arg)

Genes: BRCA1 (BRCA1 DNA repair associated; minus strand), LOC126862571 (BRD4-independent group 4 enhancer GRCh37_chr17:41243136-41244335; plus strand). Cytogenetic location: 17q21.31.
Variant type: single nucleotide variant.
Coding change: c.3992A>G on transcript NM_007294.4 (MANE Select); coding-DNA position 3992, A replaced by G.
Protein change: p.Gln1331Arg; replaces glutamine 1331 with arginine.
Molecular consequence: missense variant. On other transcripts: intron variant (135).
Genome position (GRCh38, 1-based): chr17:43,091,539, T>C on the plus strand (A>G on the coding strand, the complement: BRCA1 is on the minus strand). VCF-style: chr17-43091539-T-C. GRCh37 (hg19) VCF-style: chr17-41243556-T-C.
Other names: c.3851A>G, p.Gln1284Arg (NM_001407730.1, NM_001407734.1, NM_001407732.1 and 29 more transcripts); c.662-507A>G (NM_001408432.1, NM_001408446.1, NM_001408435.1 and 6 more transcripts); c.668-507A>G (NM_001408431.1, NM_001408424.1, NM_001408421.1); c.785-507A>G (NM_001408473.1, NM_001408399.1, NM_001407984.1 and 13 more transcripts); c.788-507A>G (NM_001408403.1, NM_001407983.1, NM_001407975.1 and 17 more transcripts); c.791-516A>G (NM_001408406.1); c.647-507A>G (NM_001408456.1, NM_001408458.1, NM_001408469.1 and 11 more transcripts); c.665-507A>G (NM_001408443.1, NM_001408439.1, NM_001408425.1 and 12 more transcripts); and 41 more; short protein forms Q1331R, Q1284R, Q1035R, Q1203R, Q1219R, Q1243R, Q1289R, Q463R.
Identifiers: ClinVar variation 409366 (VCV000409366.13), dbSNP rs1060502363, ClinGen allele CA10593978.

ClinVar aggregate classification (germline): Conflicting classifications of pathogenicity. Review status: criteria provided, conflicting classifications (1 of 4 stars). 3 submissions from 3 submitters: Uncertain significance (2); Likely benign (1). Last evaluated 2024-09-20.

Conditions:
Hereditary breast ovarian cancer syndrome. Also called: Hereditary breast and ovarian cancer; Hereditary breast and/or ovarian cancer syndrome; BRCA1- and BRCA2-Associated Hereditary Breast and Ovarian Cancer; Hereditary breast and ovarian cancer syndrome; Hereditary breast and ovarian cancer syndrome (HBOC); Breast and ovarian cancer. Identifiers: Orphanet 145, MedGen C0677776, MeSH D061325, MONDO:0003582. Disease mechanism: loss of function.
Hereditary cancer-predisposing syndrome. Also called: Tumor predisposition; Hereditary Cancer Syndrome; Hereditary neoplastic syndrome; Neoplastic Syndromes, Hereditary. Identifiers: Orphanet 140162, MedGen C0027672, MeSH D009386, MONDO:0015356.

Allele frequency attached by ClinVar (database versions not stated): gnomAD exomes below 0.00001 and 0.00001.
gnomAD v4.1: 5 of 1,614,190 alleles (0.00031%); highest among the groups gnomAD compares: South Asian, 0.0055%; no homozygotes.

Submissions (3):

Ambry Genetics
Classification: Uncertain significance for Hereditary cancer-predisposing syndrome. Last evaluated: 2024-09-20. Review status: criteria provided, single submitter. Criteria: Ambry Variant Classification Scheme 2023. Collection method: clinical testing. Allele origin: germline.
Comment: The p.Q1331R variant (also known as c.3992A>G), located in coding exon 9 of the BRCA1 gene, results from an A to G substitution at nucleotide position 3992. The glutamine at codon 1331 is replaced by arginine, an amino acid with highly similar properties. This alteration has been reported in an unaffected individual with a family history of breast cancer (Hansen TV et al. Fam Cancer, 2011 Jun;10:207-12). This amino acid position is not well conserved in available vertebrate species. In addition, the in silico prediction for this alteration is inconclusive. Based on the available evidence, the clinical significance of this variant remains unclear.

University of Washington Department of Laboratory Medicine, University of Washington
Classification: Likely benign for Hereditary cancer-predisposing syndrome. Last evaluated: 2023-03-23. Review status: criteria provided, single submitter. Criteria: Dines et al. (Genet Med. 2020). Collection method: curation. Allele origin: germline.
Comment: Missense variant in a coldspot region where missense variants are very unlikely to be pathogenic (PMID:31911673).

BRCA1 coldspot (exon 11 using historical exon numbering). Reclassification based on statistical prior probability

Labcorp Genetics (formerly Invitae), Labcorp
Classification: Uncertain significance for Hereditary breast ovarian cancer syndrome. Last evaluated: 2022-01-23. Review status: criteria provided, single submitter. Criteria: Invitae Variant Classification Sherloc (09022015). Collection method: clinical testing. Allele origin: germline.
Comment: This variant is present in population databases (no rsID available, gnomAD 0.003%). This missense change has been observed in individual(s) with breast and/or ovarian cancer (PMID: 21318380). ClinVar contains an entry for this variant (Variation ID: 409366). Advanced modeling of protein sequence and biophysical properties (such as structural, functional, and spatial information, amino acid conservation, physicochemical variation, residue mobility, and thermodynamic stability) performed at Invitae indicates that this missense variant is not expected to disrupt BRCA1 protein function. In summary, the available evidence is currently insufficient to determine the role of this variant in disease. Therefore, it has been classified as a Variant of Uncertain Significance. This sequence change replaces glutamine, which is neutral and polar, with arginine, which is basic and polar, at codon 1331 of the BRCA1 protein (p.Gln1331Arg).

Literature cited by the submitters: PubMed 21318380 (cited by Ambry Genetics and Labcorp Genetics (formerly Invitae), Labcorp).